The following is an entry in ClinVar:

NM_032861.4(SERAC1):c.1102C>T (p.Arg368Ter)

Gene: SERAC1 (serine active site containing 1; minus strand). Cytogenetic location: 6q25.3.
Variant type: single nucleotide variant.
Coding change: c.1102C>T on transcript NM_032861.4 (MANE Select); coding-DNA position 1102, C replaced by T.
Protein change: p.Arg368Ter; replaces arginine 368 with a stop codon.
Molecular consequence: nonsense. On other transcripts: non-coding transcript variant (1).
Genome position (GRCh38, 1-based): chr6:158,120,489, G>A on the plus strand (C>T on the coding strand, the complement: SERAC1 is on the minus strand). VCF-style: chr6-158120489-G-A. GRCh37 (hg19) VCF-style: chr6-158541521-G-A.
Other names: short protein forms R368*.
Identifiers: ClinVar variation 452315 (VCV000452315.7), dbSNP rs758745099, ClinGen allele CA4071192.
Genomic context (GRCh38, chr6:158,120,489, plus strand): 5'-TTCGATATTGGGGATGCAGCACATATACGCCATCCTGATATTTTTCTTGCACAGTTTCTC[G>A]GTCTAGATTTGCCAGGATTCTGGCAGCGTGTGAGGACTCCATAATGTGGGGAGATTTCAT-3'

ClinVar aggregate classification (germline): Pathogenic. Review status: criteria provided, multiple submitters, no conflicts (2 of 4 stars). 3 submissions from 3 submitters: Pathogenic (3). Last evaluated 2023-09-14.

Conditions:
3-methylglutaconic aciduria with deafness, encephalopathy, and Leigh-like syndrome (MEGDEL). Also called: SERAC1 Deficiency; 3-METHYLGLUTACONIC ACIDURIA, TYPE VI; MEGDEL syndrome. Identifiers: Orphanet 352328, MedGen C4040739, MONDO:0013875, OMIM 614739.

Allele frequency attached by ClinVar (database versions not stated): TOPMed below 0.00001; gnomAD exomes 0.00001; ExAC 0.00002.

Submissions (3):

Labcorp Genetics (formerly Invitae), Labcorp
Classification: Pathogenic for 3-methylglutaconic aciduria with deafness, encephalopathy, and Leigh-like syndrome. Last evaluated: 2023-09-14. Review status: criteria provided, single submitter. Criteria: Invitae Variant Classification Sherloc (09022015). Collection method: clinical testing. Allele origin: germline.
Comment: This sequence change creates a premature translational stop signal (p.Arg368*) in the SERAC1 gene. It is expected to result in an absent or disrupted protein product. Loss-of-function variants in SERAC1 are known to be pathogenic (PMID: 22683713). This variant is present in population databases (rs758745099, gnomAD 0.003%). This variant has not been reported in the literature in individuals affected with SERAC1-related conditions. ClinVar contains an entry for this variant (Variation ID: 452315). For these reasons, this variant has been classified as Pathogenic.

Dasa
Classification: Pathogenic for 3-methylglutaconic aciduria with deafness, encephalopathy, and Leigh-like syndrome. Last evaluated: 2022-11-03. Review status: criteria provided, single submitter. Criteria: ACMG Guidelines, 2015. Collection method: clinical testing. Allele origin: germline. Affected: yes. Observed: 1 variant allele.
Comment: The c.1102C>T;p.(Arg368*) variant creates a premature translational stop signal in the SERAC1 gene. It is expected to result in an absent or disrupted protein product - PVS1. ClinVar contains an entry for this variant (ClinVar ID: 452315) - PS4_supporting. The variant is present at low allele frequencies population databases (rs758745099 – gnomAD 0.00007966%; ABraOM no frequency) - PM2_supporting. In summary, the currently available evidence indicates that the variant is pathogenic.

GeneDx
Classification: Pathogenic. Last evaluated: 2018-08-09. Review status: criteria provided, single submitter. Criteria: GeneDx Variant Classification (06012015). Collection method: clinical testing. Allele origin: germline. Affected: yes.
Comment: The R368X variant in the SERAC1 gene has been reported previously in association with MEGDEL syndrome, in two unrelated individuals who heterozygous for the R368X variant and another SERAC1 variant (Maas et al., 2017; Roeben et al., 2018). This variant is predicted to cause loss of normal protein function either through protein truncation or nonsense-mediated mRNA decay. The R368X variant is not observed at a significant frequency in large population cohorts (Lek et al., 2016). We interpret R368X as a pathogenic variant.

Literature cited by the submitters: PubMed 22683713 (cited by Labcorp Genetics (formerly Invitae), Labcorp).